The following is an entry in ClinVar:

NM_001161352.2(KCNMA1):c.659C>T (p.Ala220Val)

Gene: KCNMA1 (potassium calcium-activated channel subfamily M alpha 1; minus strand). Cytogenetic location: 10q22.3.
Variant type: single nucleotide variant.
Coding change: c.659C>T on transcript NM_001161352.2 (MANE Select); coding-DNA position 659, C replaced by T.
Protein change: p.Ala220Val; replaces alanine 220 with valine.
Molecular consequence: missense variant.
Genome position (GRCh38, 1-based): chr10:77,184,860, G>A on the plus strand (C>T on the coding strand, the complement: KCNMA1 is on the minus strand). VCF-style: chr10-77184860-G-A. GRCh37 (hg19) VCF-style: chr10-78944618-G-A.
Other names: c.659C>T, p.Ala220Val (NM_001014797.3, NM_001161353.2, NM_001271519.2 and 7 more transcripts); c.497C>T, p.Ala166Val (NM_001271518.2); c.119C>T, p.Ala40Val (NM_001322838.2); short protein forms A220V, A166V, A40V.
Identifiers: ClinVar variation 963128 (VCV000963128.10), dbSNP rs7921386, ClinGen allele CA377410614.
Genomic context (GRCh38, chr10:77,184,860, plus strand): 5'-TGAACAATGTTGCACAAACTTACCCGCAAGCCGAAGTAGAGAAGGAAGAACACGTTGAAA[G>A]CCATGTCGATCTGTAATGTGAAATCTTTGTAGAAATTCTGGCAGGATTCTATTGGGCTAT-3'
Protein context (NP_001154824.1, residues 210-230): YKDFTLQIDM[Ala220Val]FNVFFLLYFG

ClinVar aggregate classification (germline): Uncertain significance (1 of 4 stars; one submission).

Conditions:
Generalized epilepsy-paroxysmal dyskinesia syndrome (PNKD3). Also called: Generalized epilepsy and paroxysmal dyskinesia; Paroxysmal nonkinesigenic dyskinesia, 3, with or without generalized epilepsy. Identifiers: Orphanet 79137, MedGen C5574945, MONDO:0012276, OMIM 609446.

Submission:

Labcorp Genetics (formerly Invitae), Labcorp
Classification: Uncertain significance for Generalized epilepsy-paroxysmal dyskinesia syndrome. Last evaluated: 2022-02-04. Review status: criteria provided, single submitter. Criteria: Invitae Variant Classification Sherloc (09022015). Collection method: clinical testing. Allele origin: germline.
Comment: In summary, the available evidence is currently insufficient to determine the role of this variant in disease. Therefore, it has been classified as a Variant of Uncertain Significance. Algorithms developed to predict the effect of missense changes on protein structure and function are either unavailable or do not agree on the potential impact of this missense change (SIFT: "Deleterious"; PolyPhen-2: "Benign"; Align-GVGD: "Class C0"). ClinVar contains an entry for this variant (Variation ID: 963128). This variant has not been reported in the literature in individuals affected with KCNMA1-related conditions. This variant is not present in population databases (gnomAD no frequency). This sequence change replaces alanine, which is neutral and non-polar, with valine, which is neutral and non-polar, at codon 220 of the KCNMA1 protein (p.Ala220Val).